The following is an entry in ClinVar:

NM_001363711.2(DUOX2):c.2246T>C (p.Met749Thr)

Gene: DUOX2 (dual oxidase 2; minus strand). Cytogenetic location: 15q21.1.
Variant type: single nucleotide variant.
Coding change: c.2246T>C on transcript NM_001363711.2 (MANE Select); coding-DNA position 2246, T replaced by C.
Protein change: p.Met749Thr; replaces methionine 749 with threonine.
Molecular consequence: missense variant.
Genome position (GRCh38, 1-based): chr15:45,105,731, A>G on the plus strand (T>C on the coding strand, the complement: DUOX2 is on the minus strand). VCF-style: chr15-45105731-A-G. GRCh37 (hg19) VCF-style: chr15-45397929-A-G.
Other names: c.2246T>C, p.Met749Thr (NM_014080.5); short protein forms M749T.
Identifiers: ClinVar variation 4809620 (VCV004809620.1).
Genomic context (GRCh38, chr15:45,105,731, plus strand): 5'-TCCAGGATGCGTTCCCGCTGCTGCTTTGTCACAGCCTTCCTAAATAGCTCCTTCTCGCTC[A>G]TCTCAGCCACATGGAGGCCCAGAGCCCAGCGCACGCAGAAGTCCCATAGCTGCTGCACAA-3'
Protein context (NP_001350640.1, residues 739-759): RWALGLHVAE[Met749Thr]SEKELFRKAV

ClinVar aggregate classification (germline): Uncertain significance (1 of 4 stars; one submission).

Submission:

Labcorp Genetics (formerly Invitae), Labcorp
Classification: Uncertain significance. Last evaluated: 2025-09-05. Review status: criteria provided, single submitter. Criteria: Invitae Variant Classification Sherloc (09022015). Collection method: clinical testing. Allele origin: germline.
Comment: This sequence change replaces methionine, which is neutral and non-polar, with threonine, which is neutral and polar, at codon 749 of the DUOX2 protein (p.Met749Thr). This variant is not present in population databases (gnomAD no frequency). This variant has not been reported in the literature in individuals affected with DUOX2-related conditions. Invitae Evidence Modeling of protein sequence and biophysical properties (such as structural, functional, and spatial information, amino acid conservation, physicochemical variation, residue mobility, and thermodynamic stability) indicates that this missense variant is not expected to disrupt DUOX2 protein function with a negative predictive value of 80%. In summary, the available evidence is currently insufficient to determine the role of this variant in disease. Therefore, it has been classified as a Variant of Uncertain Significance.